The following is an entry in ClinVar:

ClinVar aggregate classification (germline): Conflicting classifications of pathogenicity. Review status: criteria provided, conflicting classifications (1 of 4 stars). 5 submissions from 5 submitters: Uncertain significance (4); Likely benign (1). Last evaluated 2025-07-25.

Conditions:
Breast-ovarian cancer, familial, susceptibility to, 4. Identifiers: Orphanet 145, MedGen C3280345, MONDO:0013669, OMIM 614291.
Hereditary cancer-predisposing syndrome. Also called: Neoplastic Syndromes, Hereditary; Hereditary Cancer Syndrome; Hereditary neoplastic syndrome; Tumor predisposition. Identifiers: Orphanet 140162, MedGen C0027672, MeSH D009386, MONDO:0015356.

Allele frequency attached by ClinVar (database versions not stated): gnomAD exomes below 0.00001 and 0.00001; ExAC 0.00001.
gnomAD v4.1: 2 of 1,612,360 alleles (0.00012%); highest among the groups gnomAD compares: East Asian, 0.0022%; no homozygotes.

Submissions (5):

Labcorp Genetics (formerly Invitae), Labcorp
Classification: Uncertain significance for Breast-ovarian cancer, familial, susceptibility to, 4. Last evaluated: 2025-07-25. Review status: criteria provided, single submitter. Criteria: Invitae Variant Classification Sherloc (09022015). Collection method: clinical testing. Allele origin: germline.
Comment: This sequence change replaces arginine, which is basic and polar, with glycine, which is neutral and non-polar, at codon 24 of the RAD51D protein (p.Arg24Gly). The frequency data for this variant in the population databases is considered unreliable, as metrics indicate poor data quality at this position in the gnomAD database. This missense change has been observed in individual(s) with breast cancer (PMID: 35264596). ClinVar contains an entry for this variant (Variation ID: 539853). An algorithm developed to predict the effect of missense changes on protein structure and function (PolyPhen-2) suggests that this variant is likely to be tolerated. In summary, the available evidence is currently insufficient to determine the role of this variant in disease. Therefore, it has been classified as a Variant of Uncertain Significance.

Baylor Genetics
Classification: Uncertain significance for Breast-ovarian cancer, familial, susceptibility to, 4. Last evaluated: 2023-07-16. Review status: criteria provided, single submitter. Criteria: ACMG Guidelines, 2015. Collection method: clinical testing. Allele origin: unknown.

Color Diagnostics, LLC DBA Color Health
Classification: Uncertain significance for Hereditary cancer-predisposing syndrome. Last evaluated: 2023-03-28. Review status: criteria provided, single submitter. Criteria: ACMG Guidelines, 2015. Collection method: clinical testing. Allele origin: germline.
Comment: This missense variant replaces arginine with glycine at codon 24 of the RAD51D protein. Computational prediction suggests that this variant may not impact protein structure and function (internally defined REVEL score threshold <= 0.5, PMID: 27666373). To our knowledge, functional studies have not been reported for this variant. This variant has not been reported in individuals affected with hereditary cancer in the literature. This variant has been identified in 2/247174 chromosomes in the general population by the Genome Aggregation Database (gnomAD). The available evidence is insufficient to determine the role of this variant in disease conclusively. Therefore, this variant is classified as a Variant of Uncertain Significance.

Mendelics
Classification: Uncertain significance for Breast-ovarian cancer, familial, susceptibility to, 4. Last evaluated: 2019-05-28. Review status: criteria provided, single submitter. Criteria: Mendelics Assertion Criteria 2017. Collection method: clinical testing. Allele origin: unknown.

Ambry Genetics
Classification: Likely benign for Hereditary cancer-predisposing syndrome. Last evaluated: 2019-03-15. Review status: criteria provided, single submitter. Criteria: Ambry Variant Classification Scheme 2023. Collection method: clinical testing. Allele origin: germline.

Literature cited by the submitters: PubMed 35264596 (cited by Labcorp Genetics (formerly Invitae), Labcorp).

NM_002878.4(RAD51D):c.70A>G (p.Arg24Gly)

Genes: RAD51L3-RFFL (RAD51L3-RFFL readthrough; minus strand), RAD51D (RAD51 paralog D; minus strand). Cytogenetic location: 17q12.
Variant type: single nucleotide variant.
Coding change: c.70A>G on transcript NM_002878.4 (MANE Select); coding-DNA position 70, A replaced by G.
Protein change: p.Arg24Gly; replaces arginine 24 with glycine.
Molecular consequence: missense variant. On other transcripts: non-coding transcript variant (2).
Genome position (GRCh38, 1-based): chr17:35,119,544, T>C on the plus strand (A>G on the coding strand, the complement: RAD51D is on the minus strand). VCF-style: chr17-35119544-T-C. GRCh37 (hg19) VCF-style: chr17-33446563-T-C.
Other names: c.70A>G, p.Arg24Gly (NM_001142571.2, NM_133629.3); short protein forms R24G.
Identifiers: ClinVar variation 539853 (VCV000539853.18), dbSNP rs781611267, ClinGen allele CA8499699.
Genomic context (GRCh38, chr17:35,119,544, plus strand): 5'-GGTTGTGCGAGGCCCGCGCGGCTCCCTGGCACGCGCACACCCGGTCACCTGTCTTGATCC[T>C]GTGGCTCCTGAGAAGCTGGATCATCTCCTCGGTAAGGCCAGGGCACAGTCCGACCCTGAG-3'
Protein context (NP_002869.3, residues 14-34): EEMIQLLRSH[Arg24Gly]IKTVVDLVSA